The following is an entry in ClinVar:

ClinVar aggregate classification (germline): Uncertain significance. Review status: criteria provided, multiple submitters, no conflicts (2 of 4 stars). 2 submissions from 2 submitters: Uncertain significance (2). Last evaluated 2025-06-10.

Conditions:
ADAR-related disorder. Also called: ADAR-related disorders; ADAR-related condition.
Symmetrical dyschromatosis of extremities (DSH). Also called: Dyschromatosis symmetrica hereditaria; RETICULATE ACROPIGMENTATION OF DOHI; SYMMETRIC DYSCHROMATOSIS OF THE EXTREMITIES; DYSCHROMATOSIS SYMMETRICA HEREDITARIA 1. Identifiers: Orphanet 41, MedGen C0406775, MONDO:0007483, OMIM 127400.
Aicardi-Goutieres syndrome 6 (AGS6). Identifiers: Orphanet 51, MedGen C3539013, MONDO:0014007, OMIM 615010.

Allele frequency attached by ClinVar (database versions not stated): gnomAD 0.00004 and 0.00003.
gnomAD v4.1: 30 of 1,612,290 alleles (0.0019%); highest among the groups gnomAD compares: Middle Eastern, 0.05%; no homozygotes.

Submissions (2):

Labcorp Genetics (formerly Invitae), Labcorp
Classification: Uncertain significance for Aicardi-Goutieres syndrome 6; Symmetrical dyschromatosis of extremities. Last evaluated: 2025-06-10. Review status: criteria provided, single submitter. Criteria: Invitae Variant Classification Sherloc (09022015). Collection method: clinical testing. Allele origin: germline.
Comment: This sequence change replaces glycine, which is neutral and non-polar, with serine, which is neutral and polar, at codon 215 of the ADAR protein (p.Gly215Ser). The frequency data for this variant in the population databases is considered unreliable, as metrics indicate poor data quality at this position in the gnomAD database. This variant has not been reported in the literature in individuals affected with ADAR-related conditions. ClinVar contains an entry for this variant (Variation ID: 956516). An algorithm developed to predict the effect of missense changes on protein structure and function outputs the following: PolyPhen-2: "Benign". The serine amino acid residue is found in multiple mammalian species, which suggests that this missense change does not adversely affect protein function. In summary, the available evidence is currently insufficient to determine the role of this variant in disease. Therefore, it has been classified as a Variant of Uncertain Significance.

PreventionGenetics, part of Exact Sciences
Classification: Uncertain significance for ADAR-related condition. Last evaluated: 2023-07-16. Review status: criteria provided, single submitter. Criteria: ACMG Guidelines, 2015. Collection method: clinical testing. Allele origin: germline.
Comment: The ADAR c.643G>A variant is predicted to result in the amino acid substitution p.Gly215Ser. To our knowledge, this variant has not been reported in the literature. This variant is reported in 0.13% of alleles in individuals of East Asian descent in gnomAD. At this time, the clinical significance of this variant is uncertain due to the absence of conclusive functional and genetic evidence.

NM_001111.5(ADAR):c.643G>A (p.Gly215Ser)

Gene: ADAR (adenosine deaminase RNA specific; minus strand). Cytogenetic location: 1q21.3.
Variant type: single nucleotide variant.
Coding change: c.643G>A on transcript NM_001111.5 (MANE Select); coding-DNA position 643, G replaced by A.
Protein change: p.Gly215Ser; replaces glycine 215 with serine.
Molecular consequence: missense variant. On other transcripts: 5 prime UTR variant (6).
Genome position (GRCh38, 1-based): chr1:154,601,999, C>T on the plus strand (G>A on the coding strand, the complement: ADAR is on the minus strand). VCF-style: chr1-154601999-C-T. GRCh37 (hg19) VCF-style: chr1-154574475-C-T.
Other names: c.-243G>A (NM_001025107.3, NM_001193495.2, NM_001365046.1 and 3 more transcripts); c.670G>A, p.Gly224Ser (NM_001365045.1); c.643G>A, p.Gly215Ser (NM_015840.4, NM_015841.4); short protein forms G215S, G224S.
Identifiers: ClinVar variation 956516 (VCV000956516.10), dbSNP rs751532191, ClinGen allele CA1131665.